The following is an entry in ClinVar:

ClinVar aggregate classification (germline): Pathogenic. Review status: criteria provided, multiple submitters, no conflicts (2 of 4 stars). 2 submissions from 2 submitters: Pathogenic (2). Last evaluated 2025-12-25.

Conditions:
Polycystic kidney disease, adult type (PKD1). Also called: POLYCYSTIC KIDNEY DISEASE 1 WITH OR WITHOUT POLYCYSTIC LIVER DISEASE; POLYCYSTIC KIDNEY DISEASE, ADULT, TYPE I; Polycystic Kidney Disease 1, Autosomal Dominant; Polycystic kidney disease 1; Polycystic kidney disease 1, severe; Polycystic Kidney, Autosomal Dominant. Identifiers: MedGen C3149841, MONDO:0008263, OMIM 173900.

Submissions (2):

3billion
Classification: Pathogenic for Polycystic kidney disease, adult type. Last evaluated: 2025-12-25. Review status: criteria provided, single submitter. Criteria: ACMG Guidelines, 2015. Collection method: clinical testing. Allele origin: germline. Affected: yes.
Comment: The variant is not observed in the gnomAD v4.1.0 dataset. Predicted Consequence/Location: Stop-gained (nonsense): predicted to result in a loss or disruption of normal protein function through nonsense-mediated decay (NMD) or protein truncation. Multiple pathogenic variants are reported downstream of the variant. The variant has been reported to be associated with PKD1-related disorder (ClinVar ID: VCV000816944 /PMID: 22508176). Therefore, this variant is classified as Pathogenic according to the recommendation of ACMG/AMP guideline.

GeneDx
Classification: Pathogenic. Last evaluated: 2024-09-17. Review status: criteria provided, single submitter. Criteria: GeneDx Variant Classification Process June 2021. Collection method: clinical testing. Allele origin: germline. Affected: yes.
Comment: Nonsense variant predicted to result in protein truncation or nonsense mediated decay in a gene for which loss of function is a known mechanism of disease; Not observed at significant frequency in large population cohorts (gnomAD); This variant is associated with the following publications: (PMID: 22508176)

Literature cited by the submitters: PubMed 22508176 (cited by 3billion).

NM_001009944.3(PKD1):c.11783G>A (p.Trp3928Ter)

Gene: PKD1 (polycystin 1, transient receptor potential channel interacting; minus strand). Cytogenetic location: 16p13.3.
Variant type: single nucleotide variant.
Coding change: c.11783G>A on transcript NM_001009944.3 (MANE Select); coding-DNA position 11783, G replaced by A.
Protein change: p.Trp3928Ter; replaces tryptophan 3928 with a stop codon.
Molecular consequence: nonsense.
Genome position (GRCh38, 1-based): chr16:2,091,104, C>T on the plus strand (G>A on the coding strand, the complement: PKD1 is on the minus strand). VCF-style: chr16-2091104-C-T. GRCh37 (hg19) VCF-style: chr16-2141105-C-T.
Other names: c.11780G>A, p.Trp3927Ter (NM_000296.4); short protein forms W3927*, W3928*.
Identifiers: ClinVar variation 816944 (VCV000816944.4), dbSNP rs764746483, ClinGen allele CA394329953.
Genomic context (GRCh38, chr16:2,091,104, plus strand): 5'-GTGGCCGCCGTCAGCGCCACCAGCAGCCACCGCGCCCAGGCTCCGAGCCGCAGCACGCGC[C>T]AGCGCCCTTCCCTGTGCCAAGTACGGGCCTCGGCCACGGCGAAGTGCACGGCGAACAGCA-3'